The following is an entry in ClinVar:

NM_004113.6(FGF12):c.14-47484C>T

Gene: FGF12 (fibroblast growth factor 12; minus strand). Cytogenetic location: 3q28.
Variant type: single nucleotide variant.
Coding change: c.14-47484C>T on transcript NM_004113.6 (MANE Select); 47484 bases into the intron before coding-DNA position 14, C replaced by T.
Molecular consequence: intron variant.
Genome position (GRCh38, 1-based): chr3:192,408,022, G>A on the plus strand (C>T on the coding strand, the complement: FGF12 is on the minus strand). VCF-style: chr3-192408022-G-A. GRCh37 (hg19) VCF-style: chr3-192125811-G-A.
Other names: c.-59-47484C>T (NM_001377293.1); c.14-72558C>T (NM_001377292.1); c.-60+1490C>T (NM_001377294.1); c.199+3C>T (NM_021032.5).
Identifiers: ClinVar variation 2182976 (VCV002182976.4), dbSNP rs756178449, ClinGen allele CA2755877.

ClinVar aggregate classification (germline): Uncertain significance (1 of 4 stars; one submission).

gnomAD v4.1: 1 of 1,608,198 alleles (0.000062%); highest among the groups gnomAD compares: Non-Finnish European, 0.000085%; no homozygotes.

Submission:

Labcorp Genetics (formerly Invitae), Labcorp
Classification: Uncertain significance. Last evaluated: 2022-11-10. Review status: criteria provided, single submitter. Criteria: Invitae Variant Classification Sherloc (09022015). Collection method: clinical testing. Allele origin: germline.
Comment: In summary, the available evidence is currently insufficient to determine the role of this variant in disease. Therefore, it has been classified as a Variant of Uncertain Significance. Variants that disrupt the consensus splice site are a relatively common cause of aberrant splicing (PMID: 17576681, 9536098). Algorithms developed to predict the effect of sequence changes on RNA splicing suggest that this variant is not likely to affect RNA splicing. This variant has not been reported in the literature in individuals affected with FGF12-related conditions. This variant is not present in population databases (gnomAD no frequency). This sequence change falls in intron 1 of the FGF12 gene. It does not directly change the encoded amino acid sequence of the FGF12 protein. It affects a nucleotide within the consensus splice site.

Literature cited by the submitters: PubMed 17576681; PubMed 9536098.